The following is an entry in ClinVar:

NM_000540.3(RYR1):c.12658GTG[1] (p.Val4221del)

Gene: RYR1 (ryanodine receptor 1; plus strand). Cytogenetic location: 19q13.2.
Variant type: Microsatellite.
Coding change: c.12658GTG[1] on transcript NM_000540.3 (MANE Select); one copy of the 3-base unit GTG starting at c.12658; the reference has two copies in a row; one copy, 3 bases deleted; also written c.12661_12663del.
Protein change: p.Val4221del; deletes valine 4221.
Molecular consequence: inframe deletion.
Genome position (GRCh38, 1-based): chr19:38,564,995-38,564,997, GTG deleted; deleting any 3 consecutive bases within chr19:38,564,992-38,564,997 gives the same sequence; the position shown is the placement nearest the transcript's 3' end. VCF-style (leftmost placement, unchanged base first): chr19-38564991-CGTG-C. GRCh37 (hg19) VCF-style: chr19-39055631-CGTG-C.
Other names: c.12643GTG[1], p.Val4216del (NM_001042723.2); c.12661_12663del (NM_000540.3); short protein forms V4216del, V4221del.
Identifiers: ClinVar variation 4082268 (VCV004082268.1).

ClinVar aggregate classification (germline): Uncertain significance (1 of 4 stars; one submission).

Conditions:
Malignant hyperthermia, susceptibility to, 1 (MHS1). Also called: RYR1-Related Malignant Hyperthermia Susceptibility; Malignant hyperthermia suceptibility 1; Anesthesia related hyperthermia; Malignant hyperpyrexia; Fulminating hyperpyrexia; Pharmacogenic myopathy. Identifiers: Orphanet 423, MedGen C2930980, MONDO:0007783, OMIM 145600.

Submission:

Leeds Institute of Medical Research, University of Leeds
Classification: Uncertain significance for Malignant hyperthermia, susceptibility to, 1. Review status: criteria provided, single submitter. Criteria: Johnston et al. (Hum Mol Genet. 2022). Collection method: research. Allele origin: germline. Inheritance: Autosomal dominant inheritance. Affected: yes. Observed: 1 variant allele, 1 homozygote.
Comment: ACMG/AMP PP3 the CADD_PHRED score was 22.2. PM2 the in frame deletion of a single amino acid was in a single MH susceptible individual from the n=100 MH susceptible individuals tested, and absent from the n=25 MH normal controls and UK Biobank. Segregation analysis was not possible due to absence of other family members. It was in RYR1, the major genetic cause of MH susceptibility that has 68 diagnostic variants. No other diagnostic or rare variants were identified. However it was present in the homozygous state when heterozygous variants are usually only required. For these reasons the variant was denoted as of uncertain significance.